The following is an entry in ClinVar:

ClinVar aggregate classification (germline): Uncertain significance (1 of 4 stars; one submission).

Conditions:
Catecholaminergic polymorphic ventricular tachycardia 1. Also called: RYR2-Related Catecholaminergic Polymorphic Ventricular Tachycardia; VENTRICULAR TACHYCARDIA, CATECHOLAMINERGIC POLYMORPHIC, 1, WITH OR WITHOUT ATRIAL DYSFUNCTION AND/OR DILATED CARDIOMYOPATHY; VENTRICULAR TACHYCARDIA, STRESS-INDUCED POLYMORPHIC 1. Identifiers: Orphanet 3286, MedGen C1631597, MONDO:0011484, OMIM 604772.

Submission:

Labcorp Genetics (formerly Invitae), Labcorp
Classification: Uncertain significance for Catecholaminergic polymorphic ventricular tachycardia 1. Last evaluated: 2022-01-26. Review status: criteria provided, single submitter. Criteria: Invitae Variant Classification Sherloc (09022015). Collection method: clinical testing. Allele origin: germline.
Comment: This sequence change replaces isoleucine, which is neutral and non-polar, with threonine, which is neutral and polar, at codon 54 of the TRDN protein (p.Ile54Thr). This variant is not present in population databases (gnomAD no frequency). This variant has not been reported in the literature in individuals affected with TRDN-related conditions. ClinVar contains an entry for this variant (Variation ID: 566543). Algorithms developed to predict the effect of missense changes on protein structure and function are either unavailable or do not agree on the potential impact of this missense change (SIFT: "Deleterious"; PolyPhen-2: "Benign"; Align-GVGD: "Class C0"). In summary, the available evidence is currently insufficient to determine the role of this variant in disease. Therefore, it has been classified as a Variant of Uncertain Significance.

NM_006073.4(TRDN):c.161T>C (p.Ile54Thr)

Gene: TRDN (triadin; minus strand). Cytogenetic location: 6q22.31.
Variant type: single nucleotide variant.
Coding change: c.161T>C on transcript NM_006073.4 (MANE Select); coding-DNA position 161, T replaced by C.
Protein change: p.Ile54Thr; replaces isoleucine 54 with threonine.
Molecular consequence: missense variant.
Genome position (GRCh38, 1-based): chr6:123,570,994, A>G on the plus strand (T>C on the coding strand, the complement: TRDN is on the minus strand). VCF-style: chr6-123570994-A-G. GRCh37 (hg19) VCF-style: chr6-123892139-A-G.
Other names: c.161T>C, p.Ile54Thr (NM_001251987.2, NM_001256020.2, NM_001256021.2 and 1 more transcripts); short protein forms I54T.
Identifiers: ClinVar variation 566543 (VCV000566543.10), dbSNP rs1562396418, ClinGen allele CA365569165.
Genomic context (GRCh38, chr6:123,570,994, plus strand): 5'-TTGTAATCCACTAAATCAAACATAACGATGGCAACAGCTGACCACGTGATTATCAGGGCA[A>G]TGACCAGAAGCCAGGCTGCAGGGGAGCTGAACGTCGTCACTATGTCTTCTGTGACTGTCC-3'
Protein context (NP_006064.2, residues 44-64): FSSPAAWLLV[Ile54Thr]ALIITWSAVA